The following is an entry in ClinVar:

ClinVar aggregate classification (germline): Uncertain significance (1 of 4 stars; one submission).

Submission:

Labcorp Genetics (formerly Invitae), Labcorp
Classification: Uncertain significance. Last evaluated: 2023-04-09. Review status: criteria provided, single submitter. Criteria: Invitae Variant Classification Sherloc (09022015). Collection method: clinical testing. Allele origin: germline.
Comment: In summary, the available evidence is currently insufficient to determine the role of this variant in disease. Therefore, it has been classified as a Variant of Uncertain Significance. Experimental studies and prediction algorithms are not available or were not evaluated, and the functional significance of this variant is currently unknown. This variant has not been reported in the literature in individuals affected with KRT10-related conditions. The frequency data for this variant in the population databases is considered unreliable, as metrics indicate poor data quality at this position in the gnomAD database. This variant, c.67_72del, results in the deletion of 2 amino acid(s) of the KRT10 protein (p.Gly23_Gly24del), but otherwise preserves the integrity of the reading frame.

NM_000421.5(KRT10):c.49GGA[6] (p.Gly23_Gly24del)

Genes: KRT10 (keratin 10; minus strand), KRT10-AS1 (KRT10 antisense RNA 1; plus strand). Cytogenetic location: 17q21.2.
Variant type: Microsatellite.
Coding change: c.49GGA[6] on transcript NM_000421.5 (MANE Select); six copies in a row of the 3-base unit GGA starting at c.49; the reference has eight copies in a row; two copies, 6 bases deleted.
Protein change: p.Gly23_Gly24del.
Molecular consequence: inframe deletion.
Genome position (GRCh38, 1-based): chr17:40,822,514-40,822,519, TCCTCC deleted on the plus strand (GGAGGA on the coding strand, the reverse complement: KRT10 is on the minus strand); deleting any 6 consecutive bases within chr17:40,822,514-40,822,537 gives the same sequence; the position shown is the placement nearest the transcript's 3' end. VCF-style (leftmost placement, unchanged base first): chr17-40822513-ATCCTCC-A. GRCh37 (hg19) VCF-style: chr17-38978765-ATCCTCC-A.
Other names: c.49GGA[6], p.Gly23_Gly24del (NM_001379366.1).
Identifiers: ClinVar variation 2738068 (VCV002738068.3), dbSNP rs148510452, ClinGen allele CA8548371.